The following is an entry in ClinVar:

NM_001384474.1(LOXHD1):c.6393del (p.Phe2132fs)

Gene: LOXHD1 (lipoxygenase homology PLAT domains 1; minus strand). Cytogenetic location: 18q21.1.
Variant type: Deletion.
Coding change: c.6393del on transcript NM_001384474.1 (MANE Select); coding-DNA position 6393, one base deleted (C; older notation c.6393delC).
Protein change: p.Phe2132fs; shifts the reading frame from phenylalanine 2132.
Molecular consequence: frameshift variant.
Genome position (GRCh38, 1-based): chr18:46,477,901, G deleted on the plus strand (C on the coding strand, the reverse complement: LOXHD1 is on the minus strand). VCF-style (leftmost placement, unchanged base first): chr18-46477900-AG-A. GRCh37 (hg19) VCF-style: chr18-44057863-AG-A.
Other names: c.3060del, p.Phe1021fs (NM_001145472.3); c.1110del, p.Phe371fs (NM_001145473.3, NM_001173129.2); c.2772del, p.Phe925fs (NM_001308013.2); c.6207del, p.Phe2070fs (NM_144612.7); short protein forms F1021fs, F2070fs, F2132fs, F371fs, F925fs.
Identifiers: ClinVar variation 4816846 (VCV004816846.1).

ClinVar aggregate classification (germline): Likely pathogenic (1 of 4 stars; one submission).

Conditions:
Autosomal recessive nonsyndromic hearing loss 77. Identifiers: Orphanet 90636, MedGen C2746083, MONDO:0013119, OMIM 613079.

Submission:

Natera, Inc.
Classification: Likely pathogenic for Autosomal recessive deafness type 77. Last evaluated: 2025-08-01. Review status: criteria provided, single submitter. Criteria: Natera Variant Classification Schema (03/2026). Collection method: clinical testing. Allele origin: germline.
Comment: The c.6207del variant in LOXHD1 is a frameshift variant predicted to shift the reading frame beginning at codon 2070 and leads to a stop codon 29 codons downstream. This variant is expected to result in nonsense mediated decay, truncation, or a dysfunctional protein product. This variant is rare in the general population with a frequency below the threshold expected for the associated phenotype(s). Given the available evidence, this variant is classified as Likely Pathogenic.